The following is an entry in ClinVar:

NM_000465.4(BARD1):c.1925G>A (p.Arg642Lys)

Gene: BARD1 (BRCA1 associated RING domain 1; minus strand). Cytogenetic location: 2q35.
Variant type: single nucleotide variant.
Coding change: c.1925G>A on transcript NM_000465.4 (MANE Select); coding-DNA position 1925, G replaced by A.
Protein change: p.Arg642Lys; replaces arginine 642 with lysine.
Molecular consequence: missense variant. On other transcripts: non-coding transcript variant (3).
Genome position (GRCh38, 1-based): chr2:214,730,487, C>T on the plus strand (G>A on the coding strand, the complement: BARD1 is on the minus strand). VCF-style: chr2-214730487-C-T. GRCh37 (hg19) VCF-style: chr2-215595211-C-T.
Other names: c.1868G>A, p.Arg623Lys (NM_001282543.2); c.572G>A, p.Arg191Lys (NM_001282545.2); c.515G>A, p.Arg172Lys (NM_001282548.2); c.386G>A, p.Arg129Lys (NM_001282549.2); c.1925G>A (NM_000465.2); short protein forms R191K, R623K, R172K, R642K, R129K.
Identifiers: ClinVar variation 2057879 (VCV002057879.6), dbSNP rs1420797541, ClinGen allele CA350451276.
Genomic context (GRCh38, chr2:214,730,487, plus strand): 5'-AGCCTGCTTCTGCGTGGACCTTCAGGAATTTCATACTTTTCTTCCTGTTCACATACTTTT[C>T]TTCGTAGACATGCTTTTACCCCTGACAAAAACACAAGAATTAAAGCAAACTAAGTATCAA-3'
Protein context (NP_000456.2, residues 632-652): KFEWVKACLR[Arg642Lys]KVCEQEEKYE

ClinVar aggregate classification (germline): Uncertain significance. Review status: criteria provided, multiple submitters, no conflicts (2 of 4 stars). 3 submissions from 3 submitters: Uncertain significance (3). Last evaluated 2025-08-14.

Conditions:
Hereditary cancer-predisposing syndrome. Also called: Tumor predisposition; Hereditary Cancer Syndrome; Neoplastic Syndromes, Hereditary; Hereditary neoplastic syndrome. Identifiers: Orphanet 140162, MedGen C0027672, MeSH D009386, MONDO:0015356.
Familial cancer of breast. Also called: hereditary breast carcinoma; BREAST CANCER, FAMILIAL; Hereditary breast cancer. Identifiers: Orphanet 227535, MedGen C0346153, MONDO:0016419, OMIM 114480. Disease mechanism: loss of function.

Submissions (3):

Color Diagnostics, LLC DBA Color Health
Classification: Uncertain significance for Hereditary cancer-predisposing syndrome. Last evaluated: 2025-08-14. Review status: criteria provided, single submitter. Criteria: ACMG Guidelines, 2015. Collection method: clinical testing. Allele origin: germline.
Comment: This missense variant replaces arginine with lysine at codon 642 of the BARD1 protein. Computational prediction suggests that this variant may not impact protein structure and function. To our knowledge, functional studies have not been reported for this variant. This variant has not been reported in individuals affected with BARD1-related disorders in the literature. This variant has not been identified in the general population by the Genome Aggregation Database (gnomAD). The available evidence is insufficient to determine the role of this variant in disease conclusively. Therefore, this variant is classified as a Variant of Uncertain Significance.

Ambry Genetics
Classification: Uncertain significance for Hereditary cancer-predisposing syndrome. Last evaluated: 2025-05-11. Review status: criteria provided, single submitter. Criteria: Ambry Variant Classification Scheme 2023. Collection method: clinical testing. Allele origin: germline.
Comment: The p.R642K variant (also known as c.1925G>A), located in coding exon 10 of the BARD1 gene, results from a G to A substitution at nucleotide position 1925. The arginine at codon 642 is replaced by lysine, an amino acid with highly similar properties. This amino acid position is conserved. In addition, this alteration is predicted to be tolerated by in silico analysis. Based on the available evidence, the clinical significance of this variant remains unclear.

Labcorp Genetics (formerly Invitae), Labcorp
Classification: Uncertain significance for Familial cancer of breast. Last evaluated: 2023-09-27. Review status: criteria provided, single submitter. Criteria: Invitae Variant Classification Sherloc (09022015). Collection method: clinical testing. Allele origin: germline.
Comment: This sequence change replaces arginine, which is basic and polar, with lysine, which is basic and polar, at codon 642 of the BARD1 protein (p.Arg642Lys). This variant is not present in population databases (gnomAD no frequency). This variant has not been reported in the literature in individuals affected with BARD1-related conditions. ClinVar contains an entry for this variant (Variation ID: 2057879). Algorithms developed to predict the effect of missense changes on protein structure and function output the following: SIFT: "Not Available"; PolyPhen-2: "Benign"; Align-GVGD: "Not Available". The lysine amino acid residue is found in multiple mammalian species, which suggests that this missense change does not adversely affect protein function. In summary, the available evidence is currently insufficient to determine the role of this variant in disease. Therefore, it has been classified as a Variant of Uncertain Significance.